The following is an entry in ClinVar:

ClinVar aggregate classification (germline): Likely benign. Review status: criteria provided, multiple submitters, no conflicts (2 of 4 stars). 3 submissions from 3 submitters: Likely benign (2). 1 of the submissions does not count toward it. Last evaluated 2023-12-13.

Conditions:
HPS5-related disorder. Also called: HPS5-related condition.

Allele frequency attached by ClinVar (database versions not stated): gnomAD 0.00001; gnomAD exomes 0.00002; ExAC 0.00004.

Submissions (3):

Labcorp Genetics (formerly Invitae), Labcorp
Classification: Likely benign. Last evaluated: 2023-12-13. Review status: criteria provided, single submitter. Criteria: Invitae Variant Classification Sherloc (09022015). Collection method: clinical testing. Allele origin: germline.

Breakthrough Genomics
Classification: Likely benign. Review status: criteria provided, single submitter. Criteria: ACMG Guidelines, 2015. Collection method: not provided. Allele origin: germline. Inheritance: Autosomal recessive inheritance. Affected: yes.

PreventionGenetics, part of Exact Sciences
Classification: Likely benign for HPS5-related condition. Last evaluated: 2019-05-14. Review status: no assertion criteria provided. Collection method: clinical testing. Allele origin: germline. Not counted in ClinVar's aggregate classification.
Comment: This variant is classified as likely benign based on ACMG/AMP sequence variant interpretation guidelines (Richards et al. 2015 PMID: 25741868, with internal and published modifications).

NM_181507.2(HPS5):c.1107A>G (p.Leu369=)

Gene: HPS5 (HPS5 biogenesis of lysosomal organelles complex 2 subunit 2; minus strand). Cytogenetic location: 11p15.1.
Variant type: single nucleotide variant.
Coding change: c.1107A>G on transcript NM_181507.2 (MANE Select); coding-DNA position 1107, A replaced by G.
Protein change: p.Leu369=; no amino-acid change (leucine 369 retained).
Molecular consequence: synonymous variant.
Genome position (GRCh38, 1-based): chr11:18,298,849, T>C on the plus strand (A>G on the coding strand, the complement: HPS5 is on the minus strand). VCF-style: chr11-18298849-T-C. GRCh37 (hg19) VCF-style: chr11-18320396-T-C.
Other names: c.765A>G, p.Leu255= (NM_007216.4, NM_181508.2).
Identifiers: ClinVar variation 1633373 (VCV001633373.11), dbSNP rs751923169, ClinGen allele CA5910225.
Genomic context (GRCh38, chr11:18,298,849, plus strand): 5'-CACTCTGCTGGCAATGACAGAATTTTGGAAAAGACAGCATGTACGAGCAGCCAAGTTCCA[T>C]AGGCCTCTTCTTAGCAGGCGTTCCACACAGCGCTCCACAGATATCAGGGAGAGATGTGAG-3'
Protein context (NP_852608.1, residues 359-379): RCVERLLRRG[Leu369=]WNLAARTCCL